The following is an entry in ClinVar:

ClinVar aggregate classification (germline): Likely benign. Review status: no assertion criteria provided (0 of 4 stars). 2 submissions from 2 submitters: Likely benign (1). 1 of the submissions does not count toward it. Last evaluated 2023-05-02.

Conditions:
GNAS-related disorder. Identifiers: MedGen CN380105.

Allele frequency attached by ClinVar (database versions not stated): gnomAD 0.00004 and 0.00003; gnomAD exomes 0.00001 and 0.00012; TOPMed 0.00003; ExAC 0.00018; 1000 Genomes Project 30x 0.00031; 1000 Genomes Project 0.00020.
gnomAD v4.1: 23 of 1,546,494 alleles (0.0015%); highest among the groups gnomAD compares: East Asian, 0.042%; no homozygotes.

Submissions (2):

PreventionGenetics, part of Exact Sciences
Classification: Likely benign for GNAS-related condition. Last evaluated: 2023-05-02. Review status: no assertion criteria provided. Collection method: clinical testing. Allele origin: germline.
Comment: This variant is classified as likely benign based on ACMG/AMP sequence variant interpretation guidelines (Richards et al. 2015 PMID: 25741868, with internal and published modifications).

ITMI
No classification provided. Condition: AllHighlyPenetrant. Last evaluated: 2013-09-19. Review status: no classification provided. Collection method: reference population. Allele origin: germline. Not counted in ClinVar's aggregate classification.
Comment: Please see associated publication for description of ethnicities

Literature cited by the submitters: PubMed 24728327 (cited by ITMI).

NM_080425.4(GNAS):c.11G>A (p.Arg4His)

Gene: GNAS (GNAS complex locus; plus strand). Cytogenetic location: 20q13.32.
Variant type: single nucleotide variant.
Coding change: c.11G>A on transcript NM_080425.4 (MANE Plus Clinical); coding-DNA position 11, G replaced by A.
Protein change: p.Arg4His; replaces arginine 4 with histidine.
Molecular consequence: missense variant. On other transcripts: 5 prime UTR variant (2), intron variant (3).
Genome position (GRCh38, 1-based): chr20:58,853,276, G>A. VCF-style: chr20-58853276-G-A. GRCh37 (hg19) VCF-style: chr20-57428331-G-A.
Other names: c.-177G>A (NM_001077490.3, NM_001309883.1); c.11G>A, p.Arg4His (NM_001410913.1); c.*42+12390G>A (NM_016592.5); c.43+12390G>A (NM_001410912.1); c.-39+11401G>A (NM_001309861.2); short protein forms R4H.
Identifiers: ClinVar variation 134495 (VCV000134495.5), dbSNP rs545306394, ClinGen allele CA159970.
Genomic context (GRCh38, chr20:58,853,276, plus strand): 5'-GCTCCATCTTACGGAGCCCCAAACTTATTTTGAGAGGCCGCCACCGTGTTATGGGCGTGC[G>A]CAACTGCCTCTACGGCAATAATATGTCAGGACAACGCGATATCCCCCCTGAAATCGGGGA-3'
Protein context (NP_536350.2, residues 1-14): MGV[Arg4His]NCLYGNNMSG